The following is an entry in ClinVar:

ClinVar aggregate classification (germline): Uncertain significance (1 of 4 stars; one submission).

Submission:

Labcorp Genetics (formerly Invitae), Labcorp
Classification: Uncertain significance. Last evaluated: 2025-01-27. Review status: criteria provided, single submitter. Criteria: Invitae Variant Classification Sherloc (09022015). Collection method: clinical testing. Allele origin: germline.
Comment: This sequence change replaces proline, which is neutral and non-polar, with leucine, which is neutral and non-polar, at codon 148 of the ANXA11 protein (p.Pro148Leu). This variant is not present in population databases (gnomAD no frequency). This variant has not been reported in the literature in individuals affected with ANXA11-related conditions. Experimental studies and prediction algorithms are not available or were not evaluated, and the functional significance of this variant is currently unknown. In summary, the available evidence is currently insufficient to determine the role of this variant in disease. Therefore, it has been classified as a Variant of Uncertain Significance.

NM_145868.2(ANXA11):c.443C>T (p.Pro148Leu)

Gene: ANXA11 (annexin A11; minus strand). Cytogenetic location: 10q22.3.
Variant type: single nucleotide variant.
Coding change: c.443C>T on transcript NM_145868.2 (MANE Select); coding-DNA position 443, C replaced by T.
Protein change: p.Pro148Leu; replaces proline 148 with leucine.
Molecular consequence: missense variant.
Genome position (GRCh38, 1-based): chr10:80,169,087, G>A on the plus strand (C>T on the coding strand, the complement: ANXA11 is on the minus strand). VCF-style: chr10-80169087-G-A. GRCh37 (hg19) VCF-style: chr10-81928843-G-A.
Other names: c.443C>T, p.Pro148Leu (NM_001157.3, NM_001278407.2, NM_001278408.2 and 1 more transcripts); c.344C>T, p.Pro115Leu (NM_001278409.2); short protein forms P115L, P148L.
Identifiers: ClinVar variation 3676883 (VCV003676883.2).